The following is an entry in ClinVar:

ClinVar aggregate classification (germline): Uncertain significance (1 of 4 stars; one submission).

Submission:

GeneDx
Classification: Uncertain significance. Last evaluated: 2026-03-22. Review status: criteria provided, single submitter. Criteria: GeneDx Variant Classification Process June 2021. Collection method: clinical testing. Allele origin: germline.
Comment: Not observed at significant frequency in large population cohorts (gnomAD); In silico analysis supports that this missense variant has a deleterious effect on protein structure/function; Has not been previously published as pathogenic or benign to our knowledge; This variant is associated with the following publications: (PMID: 21224407)

NM_000545.8(HNF1A):c.1508A>G (p.Tyr503Cys)

Gene: HNF1A (HNF1 homeobox A; plus strand). Cytogenetic location: 12q24.31.
Variant type: single nucleotide variant.
Coding change: c.1508A>G on transcript NM_000545.8 (MANE Select); coding-DNA position 1508, A replaced by G.
Protein change: p.Tyr503Cys; replaces tyrosine 503 with cysteine.
Molecular consequence: missense variant.
Genome position (GRCh38, 1-based): chr12:120,999,274, A>G. VCF-style: chr12-120999274-A-G. GRCh37 (hg19) VCF-style: chr12-121437077-A-G.
Other names: c.1508A>G, p.Tyr503Cys (NM_001306179.2); c.1316A>G, p.Tyr439Cys (NM_001406915.1); short protein forms Y439C, Y503C.
Identifiers: ClinVar variation 5017207 (VCV005017207.1).
Genomic context (GRCh38, chr12:120,999,274, plus strand): 5'-ACTAGGGCTGTCAGGCACGTCTGCCACGTCTGCCCCTCTCTCCCCTGCGGCCAGCCCTCT[A>G]CAGCCACAAGCCCGAGGTGGCCCAGTACACCCACACGGGCCTGCTCCCGCAGACTATGCT-3'
Protein context (NP_000536.6, residues 493-513): MAQLQSPHAL[Tyr503Cys]SHKPEVAQYT